The following is an entry in ClinVar:

NM_007186.6(CEP250):c.6878A>G (p.Asn2293Ser)

Gene: CEP250 (centrosomal protein 250; plus strand). Cytogenetic location: 20q11.22.
Variant type: single nucleotide variant.
Coding change: c.6878A>G on transcript NM_007186.6 (MANE Select); coding-DNA position 6878, A replaced by G.
Protein change: p.Asn2293Ser; replaces asparagine 2293 with serine.
Molecular consequence: missense variant.
Genome position (GRCh38, 1-based): chr20:35,508,162, A>G. VCF-style: chr20-35508162-A-G. GRCh37 (hg19) VCF-style: chr20-34095991-A-G.
Other names: c.4982A>G, p.Asn1661Ser (NM_001318219.1); short protein forms N2293S, N1661S.
Identifiers: ClinVar variation 1035973 (VCV001035973.7), dbSNP rs769001536, ClinGen allele CA9834174.

ClinVar aggregate classification (germline): Uncertain significance (1 of 4 stars; one submission).

Allele frequency attached by ClinVar (database versions not stated): ExAC 0.00001; gnomAD 0.00001; TOPMed 0.00002; gnomAD exomes 0.00003.
gnomAD v4.1: 59 of 1,613,864 alleles (0.0037%); highest among the groups gnomAD compares: Non-Finnish European, 0.0048%; no homozygotes.

Submission:

Labcorp Genetics (formerly Invitae), Labcorp
Classification: Uncertain significance. Last evaluated: 2022-08-12. Review status: criteria provided, single submitter. Criteria: Invitae Variant Classification Sherloc (09022015). Collection method: clinical testing. Allele origin: germline.
Comment: This sequence change replaces asparagine, which is neutral and polar, with serine, which is neutral and polar, at codon 2293 of the CEP250 protein (p.Asn2293Ser). This variant is present in population databases (rs769001536, gnomAD 0.007%). This variant has not been reported in the literature in individuals affected with CEP250-related conditions. ClinVar contains an entry for this variant (Variation ID: 1035973). Algorithms developed to predict the effect of missense changes on protein structure and function are either unavailable or do not agree on the potential impact of this missense change (SIFT: "Not Available"; PolyPhen-2: "Possibly Damaging"; Align-GVGD: "Not Available"). In summary, the available evidence is currently insufficient to determine the role of this variant in disease. Therefore, it has been classified as a Variant of Uncertain Significance.